The following is an entry in ClinVar:

NM_001030.6(RPS27):c.85A>G (p.Asn29Asp)

Genes: RPS27 (ribosomal protein S27; plus strand), LOC126805872 (BRD4-independent group 4 enhancer GRCh37_chr1:153962963-153964162; plus strand). Cytogenetic location: 1q21.3.
Variant type: single nucleotide variant.
Coding change: c.85A>G on transcript NM_001030.6 (MANE Select); coding-DNA position 85, A replaced by G.
Protein change: p.Asn29Asp; replaces asparagine 29 with aspartic acid.
Molecular consequence: missense variant. On other transcripts: 5 prime UTR variant (2).
Genome position (GRCh38, 1-based): chr1:153,991,193, A>G. VCF-style: chr1-153991193-A-G. GRCh37 (hg19) VCF-style: chr1-153963669-A-G.
Other names: c.-12A>G (NM_001349946.2, NM_001349947.2); short protein forms N29D.
Identifiers: ClinVar variation 2635631 (VCV002635631.1), dbSNP rs2526144796, ClinGen allele CA342587674.

ClinVar aggregate classification (germline): Uncertain significance (1 of 4 stars; one submission).

Conditions:
RPS27-related disorder. Also called: RPS27-related condition.

Submission:

PreventionGenetics, part of Exact Sciences
Classification: Uncertain significance for RPS27-related condition. Last evaluated: 2023-09-28. Review status: criteria provided, single submitter. Criteria: ACMG Guidelines, 2015. Collection method: clinical testing. Allele origin: germline.
Comment: The RPS27 c.85A>G variant is predicted to result in the amino acid substitution p.Asn29Asp. To our knowledge, this variant has not been reported in the literature or in a large population database, indicating this variant is rare. At this time, the clinical significance of this variant is uncertain due to the absence of conclusive functional and genetic evidence.